The following is an entry in ClinVar:

NM_002907.4(RECQL):c.135A>G (p.Lys45=)

Gene: RECQL (RecQ like helicase; minus strand). Cytogenetic location: 12p12.1.
Variant type: single nucleotide variant.
Coding change: c.135A>G on transcript NM_002907.4 (MANE Select); coding-DNA position 135, A replaced by G.
Protein change: p.Lys45=; no amino-acid change (lysine 45 retained).
Molecular consequence: synonymous variant.
Genome position (GRCh38, 1-based): chr12:21,491,598, T>C on the plus strand (A>G on the coding strand, the complement: RECQL is on the minus strand). VCF-style: chr12-21491598-T-C. GRCh37 (hg19) VCF-style: chr12-21644532-T-C.
Other names: c.135A>G, p.Lys45= (NM_032941.3).
Identifiers: ClinVar variation 681432 (VCV000681432.18), dbSNP rs760544315, ClinGen allele CA6479197.
Genomic context (GRCh38, chr12:21,491,598, plus strand): 5'-AGGTGAAGAATCATATTCATTGCTTGCCCCGGCATCAGAATCCTCTAAACACTGCTTTAT[T>C]TTCTTTGTCAGGACTTTTTTTTTCTGAATAAGCTCTTGTTGCCTTTCCGTAAGTTCTTGA-3'
Protein context (NP_002898.2, residues 35-55): LIQKKKVLTK[Lys45=]IKQCLEDSDA

ClinVar aggregate classification (germline): Likely benign. Review status: criteria provided, multiple submitters, no conflicts (2 of 4 stars). 4 submissions from 4 submitters: Likely benign (4). Last evaluated 2023-09-11.

Allele frequency attached by ClinVar (database versions not stated): ExAC 0.00002; gnomAD exomes 0.00002 and 0.00004; gnomAD 0.00003 and 0.00004; TOPMed 0.00003.
gnomAD v4.1: 66 of 1,613,798 alleles (0.0041%); highest among the groups gnomAD compares: South Asian, 0.0077%; no homozygotes.

Submissions (4):

Labcorp Genetics (formerly Invitae), Labcorp
Classification: Likely benign. Last evaluated: 2023-09-11. Review status: criteria provided, single submitter. Criteria: Invitae Variant Classification Sherloc (09022015). Collection method: clinical testing. Allele origin: germline.

Ambry Genetics
Classification: Likely benign. Last evaluated: 2022-02-13. Review status: criteria provided, single submitter. Criteria: Ambry Variant Classification Scheme 2023. Collection method: clinical testing. Allele origin: germline.

ARUP Laboratories, Molecular Genetics and Genomics, ARUP Laboratories
Classification: Likely benign. Last evaluated: 2020-04-03. Review status: criteria provided, single submitter. Criteria: ARUP Molecular Germline Variant Investigation Process. Collection method: clinical testing. Allele origin: germline.

GeneDx
Classification: Likely benign. Last evaluated: 2018-03-28. Review status: criteria provided, single submitter. Criteria: GeneDx Variant Classification (06012015). Collection method: clinical testing. Allele origin: germline. Affected: yes.
Comment: This variant is considered likely benign or benign based on one or more of the following criteria: it is a conservative change, it occurs at a poorly conserved position in the protein, it is predicted to be benign by multiple in silico algorithms, and/or has population frequency not consistent with disease.